The following is an entry in ClinVar:

ClinVar aggregate classification (germline): Likely pathogenic (1 of 4 stars; one submission).

Conditions:
Orofaciodigital syndrome IX. Also called: OFDS IX; ORAL-FACIAL-DIGITAL SYNDROME WITH RETINAL ABNORMALITIES; ORAL-FACIAL-DIGITAL SYNDROME, TYPE IX; OROFACIODIGITAL SYNDROME WITH RETINAL ABNORMALITIES. Identifiers: Orphanet 141007, MedGen C0796102, MONDO:0009795, OMIM 258865.

Submission:

Kasturba Medical College, Manipal, Kasturba Medical College, Manipal, Manipal Academy of Higher Education, Manipal, India
Classification: Likely pathogenic for Orofaciodigital syndrome IX. Review status: criteria provided, single submitter. Criteria: ACMG Guidelines, 2015. Collection method: research. Allele origin: biparental. Inheritance: Autosomal recessive inheritance. Affected: yes. Observed: 1 heterozygote.
Comment: Sanger validation was not possible in the proband due to non-availability of further DNA sample. The variant c.1774dup was not reported in gnomAD (V4.1.0) population database and in our in-house data of 3829 exomes. This single nucleotide duplication likely causes shift in the reading frame of the transcript and introduces a premature termination codon, which may either result in a truncated protein or trigger nonsense-mediated mRNA decay.

NM_152730.6(TBC1D32):c.1774dup (p.Leu592fs)

Gene: TBC1D32 (TBC1 domain family member 32; minus strand). Cytogenetic location: 6q22.31.
Variant type: Duplication.
Coding change: c.1774dup on transcript NM_152730.6 (MANE Select); coding-DNA position 1774, one base duplicated (C; older notation c.1774dupC).
Protein change: p.Leu592fs; shifts the reading frame from leucine 592.
Molecular consequence: frameshift variant. On other transcripts: non-coding transcript variant (1).
Genome position (GRCh38, 1-based): chr6:121,256,245, G duplicated on the plus strand (C on the coding strand, the reverse complement: TBC1D32 is on the minus strand). VCF-style (leftmost placement, unchanged base first): chr6-121256244-A-AG. GRCh37 (hg19) VCF-style: chr6-121577390-A-AG.
Other names: c.1774dup, p.Leu592fs (NM_001367759.1, NM_001367760.1); short protein forms L592fs.
Identifiers: ClinVar variation 4279038 (VCV004279038.1).